The following is an entry in ClinVar:

NM_139058.3(ARX):c.433G>T (p.Ala145Ser)

Genes: ARX (aristaless related homeobox; minus strand), LOC109610631 (aristaless related homeobox polyalanine expansion region; plus strand). Cytogenetic location: Xp21.3.
Variant type: single nucleotide variant.
Coding change: c.433G>T on transcript NM_139058.3 (MANE Select); coding-DNA position 433, G replaced by T.
Protein change: p.Ala145Ser; replaces alanine 145 with serine.
Molecular consequence: missense variant.
Genome position (GRCh38, 1-based): chrX:25,013,562, C>A on the plus strand (G>T on the coding strand, the complement: ARX is on the minus strand). VCF-style: chrX-25013562-C-A. GRCh37 (hg19) VCF-style: chrX-25031679-C-A.
Other names: short protein forms A145S.
Identifiers: ClinVar variation 1631889 (VCV001631889.12), dbSNP rs1438576250, ClinGen allele CA412613192.

ClinVar aggregate classification (germline): Conflicting classifications of pathogenicity. Review status: criteria provided, conflicting classifications (1 of 4 stars). 2 submissions from 2 submitters: Uncertain significance (1); Benign (1). Last evaluated 2024-02-07.

Conditions:
Developmental and epileptic encephalopathy, 1 (DEE1). Also called: INFANTILE SPASM SYNDROME, X-LINKED 1; Epileptic encephalopathy, early infantile, 1; X-linked infantile spasms; West's syndrome; Tonic spasms with clustering, arrest of psychomotor development and hypsarrhythmia on EEG; X-Linked Infantile Spasm Syndrome. Identifiers: MedGen C3463992, MONDO:0010632, OMIM 308350. Disease mechanism: loss of function.
Intellectual disability, X-linked, with or without seizures, ARX-related. Also called: MENTAL RETARDATION, X-LINKED 29; MENTAL RETARDATION, X-LINKED 32; MENTAL RETARDATION, X-LINKED 33; MENTAL RETARDATION, X-LINKED 38; MENTAL RETARDATION, X-LINKED 43; MENTAL RETARDATION, X-LINKED 76. Identifiers: Orphanet 777, MedGen C0796244, MONDO:0010317, OMIM 300419.

Allele frequency attached by ClinVar (database versions not stated): gnomAD 0.00001; TOPMed 0.00001; gnomAD exomes 0.00002.
gnomAD v4.1: 11 of 776,845 alleles (0.0014%); highest among the groups gnomAD compares: South Asian, 0.054%; 1 homozygote.

Submissions (2):

Labcorp Genetics (formerly Invitae), Labcorp
Classification: Benign for Developmental and epileptic encephalopathy, 1; Intellectual disability, X-linked, with or without seizures, ARX-related. Last evaluated: 2024-02-07. Review status: criteria provided, single submitter. Criteria: Invitae Variant Classification Sherloc (09022015). Collection method: clinical testing. Allele origin: germline.

Diagnostics Services (NGS), CSIR - Centre For Cellular And Molecular Biology
Classification: Uncertain significance for Developmental and epileptic encephalopathy, 1. Last evaluated: 2022-02-09. Review status: criteria provided, single submitter. Criteria: ACMG Guidelines, 2015. Collection method: clinical testing. Allele origin: germline. Inheritance: X-linked inheritance. Affected: yes. Observed: 1 variant allele, 1 hemizygote.
Comment: The c.433G>T variant is not present in publicly available population databases like 1000 Genomes, Exome Variant Server (EVS), Exome Aggregation Consortium (ExAC), Genome Aggregation Database (gnomAD), dbSNP and Indian Exome Database. The variant is not present in our in-house exome database. The variant was not reported previously to ClinVar, Human Genome Mutation Database (HGMD) and/or OMIM databases in any affected individuals. Predictions from different in-silico pathogenicity prediction programs like SIFT, PolyPhen-2, MutationTaster2, CADD etc. are contradictory, however these predictions were not confirmed by any established functional studies.